The following is an entry in ClinVar:

NM_001034853.2(RPGR):c.155-10C>G

Gene: RPGR (retinitis pigmentosa GTPase regulator; minus strand). Cytogenetic location: Xp11.4.
Variant type: single nucleotide variant.
Coding change: c.155-10C>G on transcript NM_001034853.2 (MANE Select); 10 bases into the intron before coding-DNA position 155, C replaced by G.
Molecular consequence: intron variant.
Genome position (GRCh38, 1-based): chrX:38,322,955, G>C on the plus strand (C>G on the coding strand, the complement: RPGR is on the minus strand). VCF-style: chrX-38322955-G-C. GRCh37 (hg19) VCF-style: chrX-38182208-G-C.
Other names: c.155-10C>G (NM_001367249.1, NM_001367250.1, NM_001367245.1 and 4 more transcripts); c.185-10C>G (NM_001367248.1).
Identifiers: ClinVar variation 4701694 (VCV004701694.1).
Genomic context (GRCh38, chrX:38,322,955, plus strand): 5'-ATCCTAACTGACCCCAGTTGTTACTGCCAAACATGTAAAGTTTATTATTTCCTGGTAGGA[G>C]GGAAAAAGAAATAATCAATTGAAGCATTTTTCACATAATGTAAGATGAGGTCACCACAAA-3'

ClinVar aggregate classification (germline): Uncertain significance (1 of 4 stars; one submission).

Conditions:
Primary ciliary dyskinesia. Also called: Ciliary dyskinesia. Identifiers: Orphanet 244, MedGen C0008780, MONDO:0016575, HP:0012265.

gnomAD v4.1: 5 of 1,156,118 alleles (0.00043%); highest among the groups gnomAD compares: Non-Finnish European, 0.00059%; no homozygotes.

Submission:

Labcorp Genetics (formerly Invitae), Labcorp
Classification: Uncertain significance for Primary ciliary dyskinesia. Last evaluated: 2025-11-27. Review status: criteria provided, single submitter. Criteria: Invitae Variant Classification Sherloc (09022015). Collection method: clinical testing. Allele origin: germline.
Comment: This sequence change falls in intron 2 of the RPGR gene. It does not directly change the encoded amino acid sequence of the RPGR protein. This variant is not present in population databases (gnomAD no frequency). This variant has not been reported in the literature in individuals affected with RPGR-related conditions. Algorithms developed to predict the effect of sequence changes on RNA splicing suggest that this variant may disrupt the consensus splice site. In summary, the available evidence is currently insufficient to determine the role of this variant in disease. Therefore, it has been classified as a Variant of Uncertain Significance.